The following is an entry in ClinVar:

ClinVar aggregate classification (germline): Uncertain significance (1 of 4 stars; one submission).

Submission:

Labcorp Genetics (formerly Invitae), Labcorp
Classification: Uncertain significance. Last evaluated: 2024-04-07. Review status: criteria provided, single submitter. Criteria: Invitae Variant Classification Sherloc (09022015). Collection method: clinical testing. Allele origin: germline.
Comment: This sequence change replaces isoleucine, which is neutral and non-polar, with phenylalanine, which is neutral and non-polar, at codon 551 of the OCA2 protein (p.Ile551Phe). This variant is not present in population databases (gnomAD no frequency). This variant has not been reported in the literature in individuals affected with OCA2-related conditions. Advanced modeling of protein sequence and biophysical properties (such as structural, functional, and spatial information, amino acid conservation, physicochemical variation, residue mobility, and thermodynamic stability) performed at Invitae indicates that this missense variant is not expected to disrupt OCA2 protein function with a negative predictive value of 80%. In summary, the available evidence is currently insufficient to determine the role of this variant in disease. Therefore, it has been classified as a Variant of Uncertain Significance.

NM_000275.3(OCA2):c.1651A>T (p.Ile551Phe)

Gene: OCA2 (OCA2 melanosomal transmembrane protein; minus strand). Cytogenetic location: 15q13.1.
Variant type: single nucleotide variant.
Coding change: c.1651A>T on transcript NM_000275.3 (MANE Select); coding-DNA position 1651, A replaced by T.
Protein change: p.Ile551Phe; replaces isoleucine 551 with phenylalanine.
Molecular consequence: missense variant.
Genome position (GRCh38, 1-based): chr15:27,957,721, T>A on the plus strand (A>T on the coding strand, the complement: OCA2 is on the minus strand). VCF-style: chr15-27957721-T-A. GRCh37 (hg19) VCF-style: chr15-28202867-T-A.
Other names: c.1579A>T, p.Ile527Phe (NM_001300984.2); short protein forms I527F, I551F.
Identifiers: ClinVar variation 3613915 (VCV003613915.2).
Genomic context (GRCh38, chr15:27,957,721, plus strand): 5'-CAGCTGTCTCCTCGCGGCTGGCCGGGCTGATGCGCTGAGCAGTCAGGCGCCAGACGTGAA[T>A]CTCGTGCTTCAGTTCTGCAGAGAAAGGAAGGCGAAGCTTGGGTCTCCCATGACCTCAGAT-3'
Protein context (NP_000266.2, residues 541-561): PSEIVELKHE[Ile551Phe]HVWRLTAQRI